The following is an entry in ClinVar:

ClinVar aggregate classification (germline): Likely benign. Review status: criteria provided, multiple submitters, no conflicts (2 of 4 stars). 3 submissions from 3 submitters: Likely benign (2). 1 of the submissions does not count toward it. Last evaluated 2021-09-17.

Conditions:
GNAS-related disorder. Identifiers: MedGen CN380105.
McCune-Albright syndrome (MAS). Also called: ALBRIGHT SYNDROME; McCune-Albright syndrome, somatic, mosaic; Albright's Syndrome; Fibrous Dysplasia / McCune-Albright Syndrome; Albright's disease. Identifiers: Orphanet 562, MedGen C0242292, MONDO:0018919, OMIM 174800.
Progressive osseous heteroplasia (POH). Also called: ECTOPIC OSSIFICATION, FAMILIAL; Progressive Osseus Heteroplasia (POH); Osseus Heteroplasia, Progressive; Osteoma cutis. Identifiers: Orphanet 2762, MedGen C0334041, MONDO:0008153, OMIM 166350, HP:0025027.
Pseudohypoparathyroidism type 1C (PHP1C). Also called: PSEUDOHYPOPARATHYROIDISM, TYPE IC; PHP IC; Pseudohypoparathyroidism Ic (PHP-Ic). Identifiers: Orphanet 79444, MedGen C2932716, MONDO:0012911, OMIM 612462.
Pituitary adenoma 3, multiple types. Also called: PITUITARY ADENOMA 3, ACTH-SECRETING, SOMATIC; PITUITARY ADENOMA 3, GROWTH HORMONE-SECRETING, SOMATIC. Identifiers: MedGen C4540135, MONDO:0054665, OMIM 617686.
Pseudohypoparathyroidism type 1B (PHP1B). Also called: PHP IB; Pseudohypoparathyroidism Ib (PHP-Ib); Pseudohypoparathyroidism Type IB. Identifiers: Orphanet 94089, MedGen C1864100, MONDO:0011301, OMIM 603233.
Pseudopseudohypoparathyroidism (PPHP). Also called: ALBRIGHT HEREDITARY OSTEODYSTROPHY WITHOUT MULTIPLE HORMONE RESISTANCE; Pseudopseudohypoparathyroidism (PPHP). Identifiers: Orphanet 79445, MedGen C0033835, MONDO:0012912, OMIM 612463.
ACTH-independent macronodular adrenal hyperplasia 1 (AIMAH1). Also called: ACTH-INDEPENDENT MACRONODULAR ADRENOCORTICAL HYPERPLASIA; ACTH-independent macronodular adrenal hyperplasia, somatic; CUSHING SYNDROME, ADRENAL, DUE TO AIMAH; ADRENOCORTICOTROPIC HORMONE-INDEPENDENT MACRONODULAR ADRENAL HYPERPLASIA; CORTICOTROPIN-INDEPENDENT MACRONODULAR ADRENAL HYPERPLASIA. Identifiers: MedGen C1857451, MONDO:0020735, OMIM 219080.
Pseudohypoparathyroidism type I A (PHP1A). Also called: ALBRIGHT HEREDITARY OSTEODYSTROPHY WITH MULTIPLE HORMONE RESISTANCE; PHP IA; Pseudohypoparathyroidism type 1A; Pseudohypoparathyroidism Ia (PHP-Ia); Pseudohypoparathyroidism Type IA. Identifiers: Orphanet 79443, MedGen C3494506, MONDO:0007078, OMIM 103580.

Allele frequency attached by ClinVar (database versions not stated): gnomAD exomes 0.00001 and 0.00006; gnomAD 0.00004 and 0.00005; TOPMed 0.00005; ExAC 0.00009; 1000 Genomes Project 30x 0.00016; 1000 Genomes Project 0.00020.

Submissions (3):

Fulgent Genetics
Classification: Likely benign for Pseudohypoparathyroidism type I A; Progressive osseous heteroplasia; McCune-Albright syndrome; ACTH-independent macronodular adrenal hyperplasia 1; Pseudohypoparathyroidism type 1B; Pseudohypoparathyroidism type 1C; Pseudopseudohypoparathyroidism; Pituitary adenoma 3, multiple types. Last evaluated: 2021-09-17. Review status: criteria provided, single submitter. Criteria: ACMG Guidelines, 2015. Collection method: clinical testing. Allele origin: unknown.

Labcorp Genetics (formerly Invitae), Labcorp
Classification: Likely benign. Last evaluated: 2019-12-31. Review status: criteria provided, single submitter. Criteria: Invitae Variant Classification Sherloc (09022015). Collection method: clinical testing. Allele origin: germline.

PreventionGenetics, part of Exact Sciences
Classification: Uncertain significance for GNAS-related condition. Last evaluated: 2024-08-26. Review status: no assertion criteria provided. Collection method: clinical testing. Allele origin: germline. Not counted in ClinVar's aggregate classification.
Comment: The GNAS c.958G>A variant is predicted to result in the amino acid substitution p.Asp320Asn. This variant occurs in the pre-coding region of the primary GNAS transcript (NM_000516:c.-37504G>A). To our knowledge, this variant has not been reported in the literature. This variant is reported in 0.034% of alleles in individuals of Latino descent in gnomAD. Although we suspect that this variant is benign, at this time, the clinical significance of this variant is uncertain due to the absence of conclusive functional and genetic evidence.

NM_080425.4(GNAS):c.958G>A (p.Asp320Asn)

Gene: GNAS (GNAS complex locus; plus strand). Cytogenetic location: 20q13.32.
Variant type: single nucleotide variant.
Coding change: c.958G>A on transcript NM_080425.4 (MANE Plus Clinical); coding-DNA position 958, G replaced by A.
Protein change: p.Asp320Asn; replaces aspartic acid 320 with asparagine.
Molecular consequence: missense variant. On other transcripts: synonymous variant (2), intron variant (3), genic upstream transcript variant (1).
Genome position (GRCh38, 1-based): chr20:58,854,223, G>A. VCF-style: chr20-58854223-G-A. GRCh37 (hg19) VCF-style: chr20-57429278-G-A.
Other names: c.771G>A, p.Thr257= (NM_001077490.3, NM_001309883.1); c.958G>A, p.Asp320Asn (NM_001410913.1); c.*42+13337G>A (NM_016592.5); c.43+13337G>A (NM_001410912.1); c.-39+12348G>A (NM_001309861.2); c.-37504G>A (NM_000516.7); c.958G>A (NM_080425.3); short protein forms D320N.
Identifiers: ClinVar variation 727640 (VCV000727640.8), dbSNP rs201342585, ClinGen allele CA9926592.
Genomic context (GRCh38, chr20:58,854,223, plus strand): 5'-CCCTGGATGGAGATCTCCGGACCCCCGTTCGAGATTGGCAGCGCCCCCGCTGGGGTCGAC[G>A]ACACTCCCGTCAACATGGACAGCCCCCCAATCGCGCTTGACGGCCCGCCCATCAAGGTCT-3'
Protein context (NP_536350.2, residues 310-330): EIGSAPAGVD[Asp320Asn]TPVNMDSPPI